The following is an entry in ClinVar:

NM_001324418.2(ADAM22):c.1618-5T>C

Gene: ADAM22 (ADAM metallopeptidase domain 22; plus strand). Cytogenetic location: 7q21.12.
Variant type: single nucleotide variant.
Coding change: c.1618-5T>C on transcript NM_001324418.2 (MANE Select); 5 bases into the intron before coding-DNA position 1618, T replaced by C.
Molecular consequence: intron variant.
Genome position (GRCh38, 1-based): chr7:88,151,252, T>C. VCF-style: chr7-88151252-T-C. GRCh37 (hg19) VCF-style: chr7-87780567-T-C.
Other names: c.1669-5T>C (NM_001391975.1, NM_001391980.1); c.1594-5T>C (NM_001391982.1); c.1618-5T>C (NM_001324420.2, NM_001391976.1, NM_021723.5 and 6 more transcripts); c.1615-5T>C (NM_001324419.2, NM_001391979.1, NM_001391978.1 and 2 more transcripts).
Identifiers: ClinVar variation 3348279 (VCV003348279.1).
Genomic context (GRCh38, chr7:88,151,252, plus strand): 5'-CTTTTTCAGTTATCTGACATAAGCAGATATTGCATCGCTAATGGGTATTTGCTTTTCCGT[T>C]TTAGGGAATTTGCTTTGGAGGAAGATGCAAAACCAGAGATAGACAATGCAAATACATTTG-3'

ClinVar aggregate classification (germline): Likely benign (0 of 4 stars; one submission).

Conditions:
ADAM22-related disorder. Also called: ADAM22-related condition.

gnomAD v4.1: 304 of 1,614,114 alleles (0.019%); highest among the groups gnomAD compares: African/African-American, 0.32%; no homozygotes.

Submission:

PreventionGenetics, part of Exact Sciences
Classification: Likely benign for ADAM22-related condition. Last evaluated: 2024-08-26. Review status: no assertion criteria provided. Collection method: clinical testing. Allele origin: germline.
Comment: This variant is classified as likely benign based on ACMG/AMP sequence variant interpretation guidelines (Richards et al. 2015 PMID: 25741868, with internal and published modifications).